The following is an entry in ClinVar:

ClinVar aggregate classification (germline): Conflicting classifications of pathogenicity. Review status: criteria provided, conflicting classifications (1 of 4 stars). 4 submissions from 4 submitters: Uncertain significance (2); Likely benign (2). Last evaluated 2025-08-06.

Conditions:
Inborn genetic diseases. Identifiers: MedGen C0950123, MeSH D030342.
CHARGE syndrome (CHARGE). Also called: Hittner Hirsch Kreh syndrome; Coloboma, heart anomaly, choanal atresia, retardation, genital and ear anomalies; CHARGE association; Hall-Hittner syndrome; CHARGE ASSOCIATION--COLOBOMA, HEART ANOMALY, CHOANAL ATRESIA, RETARDATION, GENITAL AND EAR ANOMALIES. Identifiers: Orphanet 138, MedGen C0265354, MONDO:0008965.

Allele frequency attached by ClinVar (database versions not stated): gnomAD 0.00001; TOPMed 0.00002.
gnomAD v4.1: 8 of 1,613,808 alleles (0.0005%); highest among the groups gnomAD compares: Admixed American, 0.0033%; no homozygotes.

Submissions (4):

Labcorp Genetics (formerly Invitae), Labcorp
Classification: Likely benign for CHARGE syndrome. Last evaluated: 2025-08-06. Review status: criteria provided, single submitter. Criteria: Invitae Variant Classification Sherloc (09022015). Collection method: clinical testing. Allele origin: germline.

CeGaT Center for Human Genetics Tuebingen
Classification: Likely benign. Last evaluated: 2024-09-01. Review status: criteria provided, single submitter. Criteria: CeGaT Center For Human Genetics Tuebingen Variant Classification Criteria Version 2. Collection method: clinical testing. Allele origin: germline. Affected: yes. Observed: 1 variant allele.
Comment: CHD7: BP1

Ambry Genetics
Classification: Uncertain significance for Inborn genetic diseases. Last evaluated: 2024-02-28. Review status: criteria provided, single submitter. Criteria: Ambry Variant Classification Scheme 2023. Collection method: clinical testing. Allele origin: germline.

Institute of Human Genetics, University of Leipzig Medical Center
Classification: Uncertain significance for CHD7-related CHARGE syndrome. Last evaluated: 2019-01-01. Review status: criteria provided, single submitter. Criteria: ACMG Guidelines, 2015. Collection method: clinical testing. Allele origin: unknown. Affected: yes.

NM_017780.4(CHD7):c.860C>T (p.Pro287Leu)

Gene: CHD7 (chromodomain helicase DNA binding protein 7; plus strand). Cytogenetic location: 8q12.2.
Variant type: single nucleotide variant.
Coding change: c.860C>T on transcript NM_017780.4 (MANE Select); coding-DNA position 860, C replaced by T.
Protein change: p.Pro287Leu; replaces proline 287 with leucine.
Molecular consequence: missense variant.
Genome position (GRCh38, 1-based): chr8:60,742,292, C>T. VCF-style: chr8-60742292-C-T. GRCh37 (hg19) VCF-style: chr8-61654851-C-T.
Other names: c.860C>T, p.Pro287Leu (NM_001316690.1); short protein forms P287L.
Identifiers: ClinVar variation 983058 (VCV000983058.21), dbSNP rs762290343, ClinGen allele CA371299768.